The following is an entry in ClinVar:

ClinVar aggregate classification (germline): Likely benign. Review status: criteria provided, single submitter (1 of 4 stars). 2 submissions from 2 submitters: Likely benign (1). 1 of the submissions does not count toward it. Last evaluated 2025-10-07.

Conditions:
FAT4-related disorder. Also called: FAT4-related condition.

Allele frequency attached by ClinVar (database versions not stated): gnomAD exomes 0.00001 and 0.00002; ExAC 0.00002; gnomAD 0.00004; ESP Exome Variant Server 0.00008.
gnomAD v4.1: 27 of 1,613,502 alleles (0.0017%); highest among the groups gnomAD compares: Middle Eastern, 0.016%; no homozygotes.

Submissions (2):

Labcorp Genetics (formerly Invitae), Labcorp
Classification: Likely benign. Last evaluated: 2025-10-07. Review status: criteria provided, single submitter. Criteria: Invitae Variant Classification Sherloc (09022015). Collection method: clinical testing. Allele origin: germline.

PreventionGenetics, part of Exact Sciences
Classification: Likely benign for FAT4-related condition. Last evaluated: 2019-05-08. Review status: no assertion criteria provided. Collection method: clinical testing. Allele origin: germline. Not counted in ClinVar's aggregate classification.
Comment: This variant is classified as likely benign based on ACMG/AMP sequence variant interpretation guidelines (Richards et al. 2015 PMID: 25741868, with internal and published modifications).

NM_001291303.3(FAT4):c.5532C>T (p.Pro1844=)

Gene: FAT4 (FAT atypical cadherin 4; plus strand). Cytogenetic location: 4q28.1.
Variant type: single nucleotide variant.
Coding change: c.5532C>T on transcript NM_001291303.3 (MANE Select); coding-DNA position 5532, C replaced by T.
Protein change: p.Pro1844=; no amino-acid change (proline 1844 retained).
Molecular consequence: synonymous variant.
Genome position (GRCh38, 1-based): chr4:125,407,104, C>T. VCF-style: chr4-125407104-C-T. GRCh37 (hg19) VCF-style: chr4-126328259-C-T.
Other names: c.5532C>T (NM_024582.4); c.5532C>T, p.Pro1844= (NM_001291285.3, NM_024582.6).
Identifiers: ClinVar variation 1622460 (VCV001622460.10), dbSNP rs374897074, ClinGen allele CA3072739.